The following is an entry in ClinVar:

ClinVar aggregate classification (germline): Uncertain significance. Review status: criteria provided, multiple submitters, no conflicts (2 of 4 stars). 2 submissions from 2 submitters: Uncertain significance (2). Last evaluated 2022-03-09.

Conditions:
Cardiovascular phenotype. Identifiers: MedGen CN230736.
Walker-Warburg congenital muscular dystrophy. Also called: Muscular dystrophy-dystroglycanopathy, type A; Walker-Warburg syndrome. Identifiers: Orphanet 899, MedGen C0265221, MONDO:0000171.

Allele frequency attached by ClinVar (database versions not stated): gnomAD exomes below 0.00001.
gnomAD v4.1: 2 of 1,588,612 alleles (0.00013%); highest among the groups gnomAD compares: Non-Finnish European, 0.00017%; no homozygotes.

Submissions (2):

Labcorp Genetics (formerly Invitae), Labcorp
Classification: Uncertain significance for Walker-Warburg congenital muscular dystrophy. Last evaluated: 2022-03-09. Review status: criteria provided, single submitter. Criteria: Invitae Variant Classification Sherloc (09022015). Collection method: clinical testing. Allele origin: germline.
Comment: This sequence change replaces tyrosine, which is neutral and polar, with cysteine, which is neutral and slightly polar, at codon 314 of the FKTN protein (p.Tyr314Cys). The frequency data for this variant in the population databases is considered unreliable, as metrics indicate poor data quality at this position in the gnomAD database. This variant has not been reported in the literature in individuals affected with FKTN-related conditions. ClinVar contains an entry for this variant (Variation ID: 579850). Algorithms developed to predict the effect of missense changes on protein structure and function (SIFT, PolyPhen-2, Align-GVGD) all suggest that this variant is likely to be disruptive. In summary, the available evidence is currently insufficient to determine the role of this variant in disease. Therefore, it has been classified as a Variant of Uncertain Significance.

Ambry Genetics
Classification: Uncertain significance for Cardiovascular phenotype. Last evaluated: 2020-10-30. Review status: criteria provided, single submitter. Criteria: Ambry Variant Classification Scheme 2023. Collection method: clinical testing. Allele origin: germline.
Comment: The p.Y314C variant (also known as c.941A>G), located in coding exon 7 of the FKTN gene, results from an A to G substitution at nucleotide position 941. The tyrosine at codon 314 is replaced by cysteine, an amino acid with highly dissimilar properties. This amino acid position is well conserved in available vertebrate species. In addition, this alteration is predicted to be deleterious by in silico analysis. Since supporting evidence is limited at this time, the clinical significance of this alteration remains unclear.

NM_001079802.2(FKTN):c.941A>G (p.Tyr314Cys)

Gene: FKTN (fukutin; plus strand). Cytogenetic location: 9q31.2.
Variant type: single nucleotide variant.
Coding change: c.941A>G on transcript NM_001079802.2 (MANE Select); coding-DNA position 941, A replaced by G.
Protein change: p.Tyr314Cys; replaces tyrosine 314 with cysteine.
Molecular consequence: missense variant. On other transcripts: non-coding transcript variant (1).
Genome position (GRCh38, 1-based): chr9:105,617,989, A>G. VCF-style: chr9-105617989-A-G. GRCh37 (hg19) VCF-style: chr9-108380270-A-G.
Other names: c.941A>G, p.Tyr314Cys (NM_001198963.2, NM_001351496.2, NM_001351498.2 and 1 more transcripts); c.872A>G, p.Tyr291Cys (NM_001351497.2); c.545A>G, p.Tyr182Cys (NM_001351499.2, NM_001351500.2, NM_001351501.2 and 1 more transcripts); short protein forms Y314C, Y182C, Y291C.
Identifiers: ClinVar variation 579850 (VCV000579850.8), dbSNP rs1451453111, ClinGen allele CA374377444.